The following is an entry in ClinVar:

NM_001370259.2(MEN1):c.374T>C (p.Ile125Thr)

Gene: MEN1 (menin 1; minus strand). Cytogenetic location: 11q13.1.
Variant type: single nucleotide variant.
Coding change: c.374T>C on transcript NM_001370259.2 (MANE Select); coding-DNA position 374, T replaced by C.
Protein change: p.Ile125Thr; replaces isoleucine 125 with threonine.
Molecular consequence: missense variant.
Genome position (GRCh38, 1-based): chr11:64,809,736, A>G on the plus strand (T>C on the coding strand, the complement: MEN1 is on the minus strand). VCF-style: chr11-64809736-A-G. GRCh37 (hg19) VCF-style: chr11-64577208-A-G.
Other names: c.374T>C, p.Ile125Thr (NM_000244.4, NM_001370251.2, NM_001370260.2 and 9 more transcripts); short protein forms I125T.
Identifiers: ClinVar variation 1062157 (VCV001062157.9), dbSNP rs1941982084, ClinGen allele CA381187301.
Genomic context (GRCh38, chr11:64,809,736, plus strand): 5'-CTGAAGAGGGACTGGATGTGGGCCCGATCCTTGAAGTAGGAGCGGCTGAGGCTGTTCCAT[A>G]TGACATCGGAGACCTTCTTCACCAGCTCACGGCTGGAGACACCCCCTTCTCGAGGATAGA-3'
Protein context (NP_001357188.2, residues 115-135): RELVKKVSDV[Ile125Thr]WNSLSRSYFK

ClinVar aggregate classification (germline): Uncertain significance (1 of 4 stars; one submission).

Conditions:
Multiple endocrine neoplasia, type 1 (MEN1). Also called: MEN I; WERMER SYNDROME; Endocrine adenomatosis multiple; MEN 1; MEA I. Identifiers: Orphanet 652, MedGen C0025267, MeSH D018761, MONDO:0007540, OMIM 131100.

Submission:

Labcorp Genetics (formerly Invitae), Labcorp
Classification: Uncertain significance for Multiple endocrine neoplasia, type 1. Last evaluated: 2020-09-30. Review status: criteria provided, single submitter. Criteria: Invitae Variant Classification Sherloc (09022015). Collection method: clinical testing. Allele origin: germline.
Comment: In summary, the available evidence is currently insufficient to determine the role of this variant in disease. Therefore, it has been classified as a Variant of Uncertain Significance. Algorithms developed to predict the effect of missense changes on protein structure and function are either unavailable or do not agree on the potential impact of this missense change (SIFT: "Deleterious"; PolyPhen-2: "Probably Damaging"; Align-GVGD: "Class C0"). This variant has not been reported in the literature in individuals with MEN1-related conditions. This variant is not present in population databases (ExAC no frequency). This sequence change replaces isoleucine with threonine at codon 125 of the MEN1 protein (p.Ile125Thr). The isoleucine residue is highly conserved and there is a moderate physicochemical difference between isoleucine and threonine.